The following is an entry in ClinVar:

NM_002511.4(NMBR):c.928C>T (p.Arg310Trp)

Gene: NMBR (neuromedin B receptor; minus strand). Cytogenetic location: 6q24.1.
Variant type: single nucleotide variant.
Coding change: c.928C>T on transcript NM_002511.4 (MANE Select); coding-DNA position 928, C replaced by T.
Protein change: p.Arg310Trp; replaces arginine 310 with tryptophan.
Molecular consequence: missense variant.
Genome position (GRCh38, 1-based): chr6:142,075,893, G>A on the plus strand (C>T on the coding strand, the complement: NMBR is on the minus strand). VCF-style: chr6-142075893-G-A. GRCh37 (hg19) VCF-style: chr6-142397030-G-A.
Other names: c.484C>T, p.Arg162Trp (NM_001324307.2, NM_001324308.2); short protein forms R310W, R162W.
Identifiers: ClinVar variation 770365 (VCV000770365.26), dbSNP rs142626832, ClinGen allele CA4025849.

ClinVar aggregate classification (germline): Likely benign. Review status: criteria provided, multiple submitters, no conflicts (2 of 4 stars). 3 submissions from 3 submitters: Likely benign (3). Last evaluated 2024-02-01.

Allele frequency attached by ClinVar (database versions not stated): 1000 Genomes Project 30x 0.00312; 1000 Genomes Project 0.00319; gnomAD 0.00442 and 0.00444; TOPMed 0.00469; ESP Exome Variant Server 0.00484.
gnomAD v4.1: 8,975 of 1,614,006 alleles (0.56%); highest among the groups gnomAD compares: Middle Eastern, 0.82%; 37 homozygotes.

Submissions (3):

CeGaT Center for Human Genetics Tuebingen
Classification: Likely benign. Last evaluated: 2024-02-01. Review status: criteria provided, single submitter. Criteria: CeGaT Center For Human Genetics Tuebingen Variant Classification Criteria Version 2. Collection method: clinical testing. Allele origin: germline. Affected: yes. Observed: 1 variant allele.
Comment: NMBR: BS2

Labcorp Genetics (formerly Invitae), Labcorp
Classification: Likely benign. Last evaluated: 2018-03-29. Review status: criteria provided, single submitter. Criteria: Invitae Variant Classification Sherloc (09022015). Collection method: clinical testing. Allele origin: germline.

Breakthrough Genomics
Classification: Likely benign. Review status: criteria provided, single submitter. Criteria: ACMG Guidelines, 2015. Collection method: not provided. Allele origin: germline. Inheritance: Unknown mechanism. Affected: yes.